The following is an entry in ClinVar:

NM_001458.5(FLNC):c.4738-6C>T

Gene: FLNC (filamin C; plus strand). Cytogenetic location: 7q32.1.
Variant type: single nucleotide variant.
Coding change: c.4738-6C>T on transcript NM_001458.5 (MANE Select); 6 bases into the intron before coding-DNA position 4738, C replaced by T.
Molecular consequence: intron variant.
Genome position (GRCh38, 1-based): chr7:128,848,787, C>T. VCF-style: chr7-128848787-C-T. GRCh37 (hg19) VCF-style: chr7-128488841-C-T.
Other names: c.4738-6C>T (NM_001127487.2, NM_001458.4).
Identifiers: ClinVar variation 1619344 (VCV001619344.9), dbSNP rs771410017, ClinGen allele CA4475448.

ClinVar aggregate classification (germline): Likely benign. Review status: criteria provided, multiple submitters, no conflicts (2 of 4 stars). 2 submissions from 2 submitters: Likely benign (2). Last evaluated 2025-07-30.

Conditions:
Hypertrophic cardiomyopathy 26. Also called: Cardiomyopathy, familial hypertrophic, 26. Identifiers: Orphanet 75249, MedGen C4310749, MONDO:0014883, OMIM 617047.
Distal myopathy with posterior leg and anterior hand involvement. Also called: WILLIAMS DISTAL MYOPATHY. Identifiers: Orphanet 63273, MedGen C3279722, MONDO:0013550, OMIM 614065.
Myofibrillar myopathy 5. Also called: Filaminopathy (type); FILAMINOPATHY, AUTOSOMAL DOMINANT. Identifiers: Orphanet 171445, MedGen C1836050, MONDO:0012289, OMIM 609524.
FLNC-related disorder. Also called: FLNC-related disorders; FLNC-related condition.

Allele frequency attached by ClinVar (database versions not stated): TOPMed 0.00011.
gnomAD v4.1: 36 of 1,614,044 alleles (0.0022%); highest among the groups gnomAD compares: Admixed American, 0.055%; 1 homozygote.

Submissions (2):

Labcorp Genetics (formerly Invitae), Labcorp
Classification: Likely benign for Distal myopathy with posterior leg and anterior hand involvement; Myofibrillar myopathy 5; Hypertrophic cardiomyopathy 26. Last evaluated: 2025-07-30. Review status: criteria provided, single submitter. Criteria: Invitae Variant Classification Sherloc (09022015). Collection method: clinical testing. Allele origin: germline.

PreventionGenetics, part of Exact Sciences
Classification: Likely benign for FLNC-related condition. Last evaluated: 2025-07-06. Review status: criteria provided, single submitter. Criteria: ACMG Guidelines, 2015. Collection method: clinical testing. Allele origin: germline.
Comment: This variant is classified as likely benign based on ACMG/AMP sequence variant interpretation guidelines (Richards et al. 2015 PMID: 25741868, with internal and published modifications).